The following is an entry in ClinVar:

NM_001136046.3(ZMYND15):c.1650del (p.Glu551fs)

Gene: ZMYND15 (zinc finger MYND-type containing 15; plus strand). Cytogenetic location: 17p13.2.
Variant type: Deletion.
Coding change: c.1650del on transcript NM_001136046.3 (MANE Select); coding-DNA position 1650, one base deleted (C; older notation c.1650delC).
Protein change: p.Glu551fs; shifts the reading frame from glutamic acid 551.
Molecular consequence: frameshift variant.
Genome position (GRCh38, 1-based): chr17:4,744,434, C deleted; the last of 6 consecutive C bases (chr17:4,744,429-4,744,434); deleting any one gives the same sequence. VCF-style (leftmost placement, unchanged base first): chr17-4744428-GC-G. GRCh37 (hg19) VCF-style: chr17-4647723-GC-G.
Other names: c.1650del, p.Glu551fs (NM_001267822.1); c.1533del, p.Glu512fs (NM_032265.2); c.1650delC (NM_001136046.3); short protein forms E512fs, E551fs.
Identifiers: ClinVar variation 988662 (VCV000988662.2), dbSNP rs1484755918, ClinGen allele CA2499224677.

ClinVar aggregate classification (germline): Pathogenic (0 of 4 stars; one submission).

Conditions:
Spermatogenic failure 14 (SPGF14). Identifiers: MedGen C4014454, MONDO:0014366, OMIM 615842.

Submission:

Institute of Reproductive and Stem Cell Engineering, Central South University
Classification: Pathogenic for Spermatogenic failure 14. Last evaluated: 2020-10-05. Review status: no assertion criteria provided. Collection method: research. Allele origin: germline, not applicable. Inheritance: Autosomal recessive inheritance. Affected: yes. Observed: 1 variant allele, 1 homozygote.
Comment: Whole-exome and Sanger sequencing to identify suspected ZMYND15 variants in the 219 unrelated Chinese patients with SO, c.1650delC (p.Glu551Lysfs*75). In silico bioinformatic analyses as well as in vivo and in vitro experiments showed that the ZMYND15 variants carried by the affected subjects might be the underling cause for their infertility.This finding expand the disease phenotype spectrum by indicating that ZMYND15 variants cause SO and male infertility.

Literature cited by the submitters: PubMed 33169450.